The following is an entry in ClinVar:

NM_030632.3(ASXL3):c.3213dup (p.Ala1072fs)

Gene: ASXL3 (ASXL transcriptional regulator 3; plus strand). Cytogenetic location: 18q12.1.
Variant type: Duplication.
Coding change: c.3213dup on transcript NM_030632.3 (MANE Select); coding-DNA position 3213, one base duplicated (T; older notation c.3213dupT).
Protein change: p.Ala1072fs; shifts the reading frame from alanine 1072.
Molecular consequence: frameshift variant.
Genome position (GRCh38, 1-based): chr18:33,743,061, T duplicated. VCF-style (leftmost placement, unchanged base first): chr18-33743060-C-CT. GRCh37 (hg19) VCF-style: chr18-31323024-C-CT.
Other names: short protein forms A1072fs.
Identifiers: ClinVar variation 3440471 (VCV003440471.1).

ClinVar aggregate classification (germline): Pathogenic (1 of 4 stars; one submission).

Conditions:
Inborn genetic diseases. Identifiers: MedGen C0950123, MeSH D030342.

Submission:

Ambry Genetics
Classification: Pathogenic for Inborn genetic diseases. Last evaluated: 2024-07-02. Review status: criteria provided, single submitter. Criteria: Ambry Variant Classification Scheme 2023. Collection method: clinical testing. Allele origin: germline.
Comment: The c.3213dupT (p.A1072Cfs*38) alteration, located in exon 12 (coding exon 12) of the ASXL3 gene, consists of a duplication of T at position 3213, causing a translational frameshift with a predicted alternate stop codon after 38 amino acids. This alteration occurs at the 3' terminus of the ASXL3 gene, is not expected to trigger nonsense-mediated mRNA decay, and impacts the last 52% of the protein. Premature stop codons are typically deleterious in nature, the impacted region is critical for protein function, and a significant portion of the protein is affected (Ambry internal data). This variant was not reported in population-based cohorts in the Genome Aggregation Database (gnomAD). Based on the available evidence, this alteration is classified as pathogenic.